The following is an entry in ClinVar:

ClinVar aggregate classification (germline): Uncertain significance. Review status: criteria provided, multiple submitters, no conflicts (2 of 4 stars). 3 submissions from 3 submitters: Uncertain significance (3). Last evaluated 2026-01-20.

Conditions:
DHTKD1-related disorder. Also called: DHTKD1-related condition.
2-aminoadipic 2-oxoadipic aciduria (AAKAD). Also called: ALPHA-AMINOADIPIC AND ALPHA-KETOADIPIC ACIDURIA; Aminoadipic aciduria. Identifiers: Orphanet 79154, MedGen C1859817, MONDO:0008774, OMIM 204750.

Allele frequency attached by ClinVar (database versions not stated): ExAC 0.00002; gnomAD exomes 0.00002; gnomAD 0.00003 and 0.00004; TOPMed 0.00003.
gnomAD v4.1: 64 of 1,613,924 alleles (0.004%); highest among the groups gnomAD compares: Non-Finnish European, 0.005%; no homozygotes.

Submissions (3):

PreventionGenetics, part of Exact Sciences
Classification: Uncertain significance for DHTKD1-related condition. Last evaluated: 2026-01-20. Review status: criteria provided, single submitter. Criteria: ACMG Guidelines, 2015. Collection method: clinical testing. Allele origin: germline.
Comment: The DHTKD1 c.962C>T variant is predicted to result in the amino acid substitution p.Pro321Leu. To our knowledge, this variant has not been reported in the literature. This variant is reported in 0.0033% of alleles in individuals of South Asian descent in gnomAD. At this time, the clinical significance of this variant is uncertain due to the absence of conclusive functional and genetic evidence.

Labcorp Genetics (formerly Invitae), Labcorp
Classification: Uncertain significance for 2-aminoadipic 2-oxoadipic aciduria. Last evaluated: 2024-03-13. Review status: criteria provided, single submitter. Criteria: Invitae Variant Classification Sherloc (09022015). Collection method: clinical testing. Allele origin: germline.
Comment: This sequence change replaces proline, which is neutral and non-polar, with leucine, which is neutral and non-polar, at codon 321 of the DHTKD1 protein (p.Pro321Leu). This variant is present in population databases (rs755528865, gnomAD 0.003%). This variant has not been reported in the literature in individuals affected with DHTKD1-related conditions. ClinVar contains an entry for this variant (Variation ID: 1445627). An algorithm developed to predict the effect of missense changes on protein structure and function (PolyPhen-2) suggests that this variant is likely to be tolerated. In summary, the available evidence is currently insufficient to determine the role of this variant in disease. Therefore, it has been classified as a Variant of Uncertain Significance.

MGZ Medical Genetics Center
Classification: Uncertain significance for 2-aminoadipic 2-oxoadipic aciduria. Last evaluated: 2022-05-31. Review status: criteria provided, single submitter. Criteria: ACMG Guidelines, 2015. Collection method: clinical testing. Allele origin: germline. Affected: yes. Observed: 1 variant allele.
Comment: ACMG criteria applied: PM3, PM2_SUP, PP3

NM_018706.7(DHTKD1):c.962C>T (p.Pro321Leu)

Gene: DHTKD1 (dehydrogenase E1 and transketolase domain containing 1; plus strand). Cytogenetic location: 10p14.
Variant type: single nucleotide variant.
Coding change: c.962C>T on transcript NM_018706.7 (MANE Select); coding-DNA position 962, C replaced by T.
Protein change: p.Pro321Leu; replaces proline 321 with leucine.
Molecular consequence: missense variant.
Genome position (GRCh38, 1-based): chr10:12,089,230, C>T. VCF-style: chr10-12089230-C-T. GRCh37 (hg19) VCF-style: chr10-12131229-C-T.
Other names: c.962C>T (NM_018706.6); short protein forms P321L.
Identifiers: ClinVar variation 1445627 (VCV001445627.11), dbSNP rs755528865, ClinGen allele CA5407694.
Genomic context (GRCh38, chr10:12,089,230, plus strand): 5'-CTCGCGGCAGGCAGCAGTCTCGCCAAGACGGCGATTACTCTCCAGACAACTCAGCCCAGC[C>T]GGGGGACAGGGTCATTTGCTTACAGGTACTTGGAGCTTCTGAAATTGAGGCCAGAGGTGG-3'
Protein context (NP_061176.4, residues 311-331): GDYSPDNSAQ[Pro321Leu]GDRVICLQVH